The following is an entry in ClinVar:

ClinVar aggregate classification (germline): Uncertain significance (1 of 4 stars; one submission).

Allele frequency attached by ClinVar (database versions not stated): gnomAD exomes below 0.00001.
gnomAD v4.1: 7 of 1,614,106 alleles (0.00043%); highest among the groups gnomAD compares: Middle Eastern, 0.016%; no homozygotes.

Submission:

Labcorp Genetics (formerly Invitae), Labcorp
Classification: Uncertain significance. Last evaluated: 2022-05-12. Review status: criteria provided, single submitter. Criteria: Invitae Variant Classification Sherloc (09022015). Collection method: clinical testing. Allele origin: germline.
Comment: This sequence change replaces glutamine, which is neutral and polar, with histidine, which is basic and polar, at codon 2322 of the NBAS protein (p.Gln2322His). This variant is not present in population databases (gnomAD no frequency). This variant has not been reported in the literature in individuals affected with NBAS-related conditions. Algorithms developed to predict the effect of missense changes on protein structure and function are either unavailable or do not agree on the potential impact of this missense change (SIFT: "Deleterious"; PolyPhen-2: "Benign"; Align-GVGD: "Class C15"). In summary, the available evidence is currently insufficient to determine the role of this variant in disease. Therefore, it has been classified as a Variant of Uncertain Significance.

NM_015909.4(NBAS):c.6966A>C (p.Gln2322His)

Gene: NBAS (NBAS subunit of NRZ tethering complex; minus strand). Cytogenetic location: 2p24.3.
Variant type: single nucleotide variant.
Coding change: c.6966A>C on transcript NM_015909.4 (MANE Select); coding-DNA position 6966, A replaced by C.
Protein change: p.Gln2322His; replaces glutamine 2322 with histidine.
Molecular consequence: missense variant. On other transcripts: non-coding transcript variant (1).
Genome position (GRCh38, 1-based): chr2:15,167,198, T>G on the plus strand (A>C on the coding strand, the complement: NBAS is on the minus strand). VCF-style: chr2-15167198-T-G. GRCh37 (hg19) VCF-style: chr2-15307322-T-G.
Other names: short protein forms Q2322H.
Identifiers: ClinVar variation 1957798 (VCV001957798.2), dbSNP rs1021405951, ClinGen allele CA43162653.